The following is an entry in ClinVar:

ClinVar aggregate classification (germline): Conflicting classifications of pathogenicity. Review status: criteria provided, conflicting classifications (1 of 4 stars). 4 submissions from 4 submitters: Uncertain significance (1); Benign (1); Likely benign (1). 1 of the submissions does not count toward it. Last evaluated 2026-03-01.

Conditions:
Inborn genetic diseases. Identifiers: MedGen C0950123, MeSH D030342.
MN1-related disorder. Also called: MN1-related condition.

Allele frequency attached by ClinVar (database versions not stated): 1000 Genomes Project 0.00060; 1000 Genomes Project 30x 0.00062; gnomAD 0.00099; ESP Exome Variant Server 0.00105; TOPMed 0.00114; ExAC 0.00117; gnomAD exomes 0.00168.
gnomAD v4.1: 2,595 of 1,614,214 alleles (0.16%); highest among the groups gnomAD compares: Middle Eastern, 0.76%; 7 homozygotes.

Submissions (4):

CeGaT Center for Human Genetics Tuebingen
Classification: Likely benign. Last evaluated: 2026-03-01. Review status: criteria provided, single submitter. Criteria: CeGaT Center For Human Genetics Tuebingen Variant Classification Criteria Version 2. Collection method: clinical testing. Allele origin: germline. Affected: yes. Observed: 10 variant alleles.
Comment: MN1: BS1

Ambry Genetics
Classification: Uncertain significance for Inborn genetic diseases. Last evaluated: 2025-10-14. Review status: criteria provided, single submitter. Criteria: Ambry Variant Classification Scheme 2023. Collection method: clinical testing. Allele origin: germline.
Comment: The c.56G>A (p.G19D) alteration is located in exon 1 (coding exon 1) of the MN1 gene. This alteration results from a G to A substitution at nucleotide position 56, causing the glycine (G) at amino acid position 19 to be replaced by an aspartic acid (D). Based on data from gnomAD, the A allele has an overall frequency of 0.111% (310/280524) total alleles studied. The highest observed frequency was 0.184% (236/128324) of European (non-Finnish) alleles. Based on insufficient or conflicting evidence, the clinical significance of this alteration remains unclear.

Blueprint Genetics
Classification: Benign. Last evaluated: 2024-11-26. Review status: criteria provided, single submitter. Criteria: ACMG Guidelines, 2015. Collection method: clinical testing. Allele origin: germline.

PreventionGenetics, part of Exact Sciences
Classification: Likely benign for MN1-related condition. Last evaluated: 2022-02-09. Review status: no assertion criteria provided. Collection method: clinical testing. Allele origin: germline. Not counted in ClinVar's aggregate classification.
Comment: This variant is classified as likely benign based on ACMG/AMP sequence variant interpretation guidelines (Richards et al. 2015 PMID: 25741868, with internal and published modifications).

NM_002430.3(MN1):c.56G>A (p.Gly19Asp)

Gene: MN1 (MN1 proto-oncogene, transcriptional regulator; minus strand). Cytogenetic location: 22q12.1.
Variant type: single nucleotide variant.
Coding change: c.56G>A on transcript NM_002430.3 (MANE Select); coding-DNA position 56, G replaced by A.
Protein change: p.Gly19Asp; replaces glycine 19 with aspartic acid.
Molecular consequence: missense variant.
Genome position (GRCh38, 1-based): chr22:27,800,488, C>T on the plus strand (G>A on the coding strand, the complement: MN1 is on the minus strand). VCF-style: chr22-27800488-C-T. GRCh37 (hg19) VCF-style: chr22-28196476-C-T.
Other names: c.56G>A (NM_002430.2); short protein forms G19D.
Identifiers: ClinVar variation 2653035 (VCV002653035.26), dbSNP rs200030766, ClinGen allele CA10166643.